The following is an entry in ClinVar:

NM_000834.5(GRIN2B):c.2011-18_2011-3del

Gene: GRIN2B (glutamate ionotropic receptor NMDA type subunit 2B; minus strand). Cytogenetic location: 12p13.1.
Variant type: Deletion.
Coding change: c.2011-18_2011-3del on transcript NM_000834.5 (MANE Select); 18 bases into the intron before coding-DNA position 2011 through 3 bases into the intron before coding-DNA position 2011, 16 bases deleted (CTGTCTTTCTCTCTCC).
Molecular consequence: intron variant.
Genome position (GRCh38, 1-based): chr12:13,571,967-13,571,982, GGAGAGAGAAAGACAG deleted on the plus strand (CTGTCTTTCTCTCTCC on the coding strand, the reverse complement: GRIN2B is on the minus strand). VCF-style (leftmost placement, unchanged base first): chr12-13571966-TGGAGAGAGAAAGACAG-T. GRCh37 (hg19) VCF-style: chr12-13724900-TGGAGAGAGAAAGACAG-T.
Identifiers: ClinVar variation 931755 (VCV000931755.3), dbSNP rs1948714326, ClinGen allele CA1139662524.

ClinVar aggregate classification (germline): Uncertain significance (1 of 4 stars; one submission).

Conditions:
Intellectual developmental disorder, autosomal dominant 6, with or without seizures. Also called: Intellectual disability, autosomal dominant 6; GRIN2B-related developmental delay, intellectual disability and autism spectrum disorder. Identifiers: Orphanet 589547, MedGen C3151411, MONDO:0013509, OMIM 613970.

Submission:

Centre for Mendelian Genomics, University Medical Centre Ljubljana
Classification: Uncertain significance for Intellectual developmental disorder, autosomal dominant 6, with or without seizures. Last evaluated: 2018-10-10. Review status: criteria provided, single submitter. Criteria: ACMG Guidelines, 2015. Collection method: clinical testing. Allele origin: unknown. Affected: yes.
Comment: This variant was classified as: Uncertain significance. The available evidence on this variant's pathogenicity is insufficient or conflicting. The following ACMG criteria were applied in classifying this variant: PM2.